The following is an entry in ClinVar:

ClinVar aggregate classification (germline): Uncertain significance (1 of 4 stars; one submission).

Allele frequency attached by ClinVar (database versions not stated): gnomAD exomes below 0.00001; ExAC 0.00001; gnomAD 0.00001.
gnomAD v4.1: 3 of 1,588,312 alleles (0.00019%); highest among the groups gnomAD compares: Non-Finnish European, 0.00026%; no homozygotes.

Submission:

Labcorp Genetics (formerly Invitae), Labcorp
Classification: Uncertain significance. Last evaluated: 2022-02-20. Review status: criteria provided, single submitter. Criteria: Invitae Variant Classification Sherloc (09022015). Collection method: clinical testing. Allele origin: germline.
Comment: In summary, the available evidence is currently insufficient to determine the role of this variant in disease. Therefore, it has been classified as a Variant of Uncertain Significance. Variants that disrupt the consensus splice site are a relatively common cause of aberrant splicing (PMID: 17576681, 9536098). Algorithms developed to predict the effect of sequence changes on RNA splicing suggest that this variant may disrupt the consensus splice site. This variant has not been reported in the literature in individuals affected with COL4A1-related conditions. This variant is present in population databases (rs778888804, gnomAD 0.0009%). This sequence change falls in intron 45 of the COL4A1 gene. It does not directly change the encoded amino acid sequence of the COL4A1 protein. It affects a nucleotide within the consensus splice site.

Literature cited by the submitters: PubMed 17576681; PubMed 9536098.

NM_001845.6(COL4A1):c.4021+3A>G

Gene: COL4A1 (collagen type IV alpha 1 chain; minus strand). Cytogenetic location: 13q34.
Variant type: single nucleotide variant.
Coding change: c.4021+3A>G on transcript NM_001845.6 (MANE Select); 3 bases into the intron after coding-DNA position 4021, A replaced by G.
Molecular consequence: intron variant.
Genome position (GRCh38, 1-based): chr13:110,166,229, T>C on the plus strand (A>G on the coding strand, the complement: COL4A1 is on the minus strand). VCF-style: chr13-110166229-T-C. GRCh37 (hg19) VCF-style: chr13-110818576-T-C.
Identifiers: ClinVar variation 1386647 (VCV001386647.6), dbSNP rs778888804, ClinGen allele CA7047065.